The following is an entry in ClinVar:

ClinVar aggregate classification (germline): Uncertain significance (1 of 4 stars; one submission).

Conditions:
PCNT-related disorder. Also called: PCNT-related condition.

gnomAD v4.1: 1 of 1,614,126 alleles (0.000062%); highest among the groups gnomAD compares: Admixed American, 0.0017%; no homozygotes.

Submission:

PreventionGenetics, part of Exact Sciences
Classification: Uncertain significance for PCNT-related condition. Last evaluated: 2025-10-20. Review status: criteria provided, single submitter. Criteria: ACMG Guidelines, 2015. Collection method: clinical testing. Allele origin: germline.
Comment: The PCNT c.3695C>A variant is predicted to result in the amino acid substitution p.Ala1232Asp. To our knowledge, this variant has not been reported in the literature. This variant is reported in 0.12% of alleles in individuals of Latino descent in gnomAD. Although we suspect that this variant may be benign, at this time, the clinical significance of this variant is uncertain due to the absence of conclusive functional and genetic evidence.

NM_006031.6(PCNT):c.3695C>A (p.Ala1232Asp)

Gene: PCNT (pericentrin; plus strand). Cytogenetic location: 21q22.3.
Variant type: single nucleotide variant.
Coding change: c.3695C>A on transcript NM_006031.6 (MANE Select); coding-DNA position 3695, C replaced by A.
Protein change: p.Ala1232Asp; replaces alanine 1232 with aspartic acid.
Molecular consequence: missense variant.
Genome position (GRCh38, 1-based): chr21:46,389,286, C>A. VCF-style: chr21-46389286-C-A. GRCh37 (hg19) VCF-style: chr21-47809201-C-A.
Other names: c.3341C>A, p.Ala1114Asp (NM_001315529.2); short protein forms A1114D, A1232D.
Identifiers: ClinVar variation 4985341 (VCV004985341.1).
Genomic context (GRCh38, chr21:46,389,286, plus strand): 5'-ATGTGGCCCTCCCGGAGTTGGACAGAACTTTGTCTGAATGTGCAGAGATGTCTTCCGTGG[C>A]TGAAATTAGCAGCCACATGCGTGAAAGCTTTCTCATGAGCCCAGAAAGTGTGCGGGAGTG-3'
Protein context (NP_006022.3, residues 1222-1242): LSECAEMSSV[Ala1232Asp]EISSHMRESF